The following is an entry in ClinVar:

ClinVar aggregate classification (germline): Uncertain significance. Review status: criteria provided, multiple submitters, no conflicts (2 of 4 stars). 2 submissions from 2 submitters: Uncertain significance (2). Last evaluated 2022-07-06.

Allele frequency attached by ClinVar (database versions not stated): gnomAD 0.00001.
gnomAD v4.1: 3 of 1,613,832 alleles (0.00019%); highest among the groups gnomAD compares: Non-Finnish European, 0.00025%; no homozygotes.

Submissions (2):

Labcorp Genetics (formerly Invitae), Labcorp
Classification: Uncertain significance. Last evaluated: 2022-07-06. Review status: criteria provided, single submitter. Criteria: Invitae Variant Classification Sherloc (09022015). Collection method: clinical testing. Allele origin: germline.
Comment: In summary, the available evidence is currently insufficient to determine the role of this variant in disease. Therefore, it has been classified as a Variant of Uncertain Significance. Algorithms developed to predict the effect of missense changes on protein structure and function output the following: SIFT: "Tolerated"; PolyPhen-2: "Benign"; Align-GVGD: "Class C0". The threonine amino acid residue is found in multiple mammalian species, which suggests that this missense change does not adversely affect protein function. This variant has not been reported in the literature in individuals affected with PCARE-related conditions. This sequence change replaces serine, which is neutral and polar, with threonine, which is neutral and polar, at codon 1214 of the PCARE protein (p.Ser1214Thr). This variant is not present in population databases (gnomAD no frequency). ClinVar contains an entry for this variant (Variation ID: 1495427).

Blueprint Genetics
Classification: Uncertain significance. Last evaluated: 2021-09-09. Review status: criteria provided, single submitter. Criteria: ACMG Guidelines, 2015. Collection method: clinical testing. Allele origin: germline.

NM_001029883.3(PCARE):c.3640T>A (p.Ser1214Thr)

Gene: PCARE (photoreceptor cilium actin regulator; minus strand). Cytogenetic location: 2p23.2.
Variant type: single nucleotide variant.
Coding change: c.3640T>A on transcript NM_001029883.3 (MANE Select); coding-DNA position 3640, T replaced by A.
Protein change: p.Ser1214Thr; replaces serine 1214 with threonine.
Molecular consequence: missense variant.
Genome position (GRCh38, 1-based): chr2:29,070,622, A>T on the plus strand (T>A on the coding strand, the complement: PCARE is on the minus strand). VCF-style: chr2-29070622-A-T. GRCh37 (hg19) VCF-style: chr2-29293488-A-T.
Other names: short protein forms S1214T.
Identifiers: ClinVar variation 1495427 (VCV001495427.9), dbSNP rs1435331037, ClinGen allele CA346472745.
Genomic context (GRCh38, chr2:29,070,622, plus strand): 5'-CTGAAGGGCAGTGACCCCAGGACACTCCTTACCTGTTCTGGCCGAGCTGGGATTCATAAG[A>T]GGTGCTGGTGGGGTCCAAGGTGGGAGGCTGCGGTCGGCCACCTGGCTGGCGGTCAGAAGC-3'
Protein context (NP_001025054.1, residues 1204-1224): QPPTLDPTST[Ser1214Thr]YESQLGQNSS